The following is an entry in ClinVar:

ClinVar aggregate classification (germline): Uncertain significance (1 of 4 stars; one submission).

Conditions:
Congenital factor V deficiency. Also called: LABILE FACTOR DEFICIENCY; OWREN PARAHEMOPHILIA; PARAHEMOPHILIA; Hereditary factor V deficiency disease. Identifiers: Orphanet 326, MedGen C0015499, MONDO:0009210, OMIM 227400.

gnomAD v4.1: 4 of 1,614,138 alleles (0.00025%); highest among the groups gnomAD compares: Non-Finnish European, 0.00025%; no homozygotes.

Submission:

Victorian Clinical Genetics Services, Murdoch Childrens Research Institute
Classification: Uncertain significance for Congenital factor V deficiency. Last evaluated: 2022-02-02. Review status: criteria provided, single submitter. Criteria: ACMG Guidelines, 2015. Collection method: clinical testing. Allele origin: germline.
Comment: Based on the classification scheme VCGS_Germline_v1.3.4, this variant is classified as VUS-3A. Following criteria are met: 0103 - Loss of function and gain of function and loss of function are known mechanisms of disease in this gene. Loss of function leads to factor V deficiency (MIM#227400), whereas gain of function is associated with thrombophilia due to activated protein C resistance (MIM#188055) (PMID: 30297698). (I) 0108 - This gene is associated with both recessive and dominant disease. Factor V deficiency (MIM# 227400) is inherited in a recessive manner, however thrombophilia due to activated protein C resistance (MIM#188055) is autosomal dominant, although the risk is increased when recessive inheritance occurs. (I) 0200 - Variant is predicted to result in a missense amino acid change from serine to arginine. (I) 0251 - This variant is heterozygous. (I) 0304 - Variant is present in gnomAD (v2) <0.01 for a condition (1 heterozygote, 0 homozygotes) (SP) 0501 - Missense variant consistently predicted to be damaging by multiple in silico tools or highly conserved with a major amino acid change. (SP) 0604 - Variant is not located in an established domain, motif, hotspot or informative constraint region. (I) 0705 - No comparable missense variants have previous evidence for pathogenicity. (I) 0807 - This variant has no previous evidence of pathogenicity. (I) 0905 - No published segregation evidence has been identified for this variant. (I) 1005 - Clinically accredited laboratory assay specific to gene product shows abnormal protein function. (SP) 1208 - Inheritance information for this variant is not currently available in this individual. (I) Legend: (SP) - Supporting pathogenic, (I) - Information, (SB) - Supporting benign

Literature cited by the submitters: PubMed 30297698.

NM_000130.5(F5):c.1521T>A (p.Ser507Arg)

Gene: F5 (coagulation factor V; minus strand). Cytogenetic location: 1q24.2.
Variant type: single nucleotide variant.
Coding change: c.1521T>A on transcript NM_000130.5 (MANE Select); coding-DNA position 1521, T replaced by A.
Protein change: p.Ser507Arg; replaces serine 507 with arginine.
Molecular consequence: missense variant.
Genome position (GRCh38, 1-based): chr1:169,549,891, A>T on the plus strand (T>A on the coding strand, the complement: F5 is on the minus strand). VCF-style: chr1-169549891-A-T. GRCh37 (hg19) VCF-style: chr1-169519129-A-T.
Other names: short protein forms S507R.
Identifiers: ClinVar variation 3376672 (VCV003376672.1).
Genomic context (GRCh38, chr1:169,549,891, plus strand): 5'-CTTACAGATTAGAAGTAGTCCTATTAGCCCAGAGGCGATGTCTCTCATGATGTCCACGTC[A>T]CTGTAGTATGGTCTTGTTAAGCACTGGGCATCATTTTCTGTGGGTTCATCAAACTCTAAG-3'
Protein context (NP_000121.2, residues 497-517): DAQCLTRPYY[Ser507Arg]DVDIMRDIAS